The following is an entry in ClinVar:

NM_004006.3(DMD):c.7705C>A (p.Gln2569Lys)

Gene: DMD (dystrophin; minus strand). Cytogenetic location: Xp21.1.
Variant type: single nucleotide variant.
Coding change: c.7705C>A on transcript NM_004006.3 (MANE Select); coding-DNA position 7705, C replaced by A.
Protein change: p.Gln2569Lys; replaces glutamine 2569 with lysine.
Molecular consequence: missense variant.
Genome position (GRCh38, 1-based): chrX:31,679,542, G>T on the plus strand (C>A on the coding strand, the complement: DMD is on the minus strand). VCF-style: chrX-31679542-G-T. GRCh37 (hg19) VCF-style: chrX-31697659-G-T.
Other names: c.7681C>A, p.Gln2561Lys (NM_000109.4); c.7693C>A, p.Gln2565Lys (NM_004009.3); c.7336C>A, p.Gln2446Lys (NM_004010.3); c.3682C>A, p.Gln1228Lys (NM_004011.4); c.3673C>A, p.Gln1225Lys (NM_004012.4); c.325C>A, p.Gln109Lys (NM_004013.3, NM_004020.4, NM_004021.3 and 2 more transcripts); short protein forms Q109K, Q2561K, Q1225K, Q1228K, Q2446K, Q2569K, Q2565K.
Identifiers: ClinVar variation 1476246 (VCV001476246.8), dbSNP rs1603445344, ClinGen allele CA412656920.

ClinVar aggregate classification (germline): Uncertain significance (1 of 4 stars; one submission).

Conditions:
Duchenne muscular dystrophy (DMD). Also called: Duchenne Muscular Dystrophy (DMD); MUSCULAR DYSTROPHY, PSEUDOHYPERTROPHIC PROGRESSIVE, DUCHENNE TYPE. Identifiers: Orphanet 98896, MedGen C0013264, MONDO:0010679, OMIM 310200.

Submission:

Labcorp Genetics (formerly Invitae), Labcorp
Classification: Uncertain significance for Duchenne muscular dystrophy. Last evaluated: 2023-10-03. Review status: criteria provided, single submitter. Criteria: Invitae Variant Classification Sherloc (09022015). Collection method: clinical testing. Allele origin: germline.
Comment: This sequence change replaces glutamine, which is neutral and polar, with lysine, which is basic and polar, at codon 2569 of the DMD protein (p.Gln2569Lys). This variant is not present in population databases (gnomAD no frequency). This variant has not been reported in the literature in individuals affected with DMD-related conditions. ClinVar contains an entry for this variant (Variation ID: 1476246). Advanced modeling of protein sequence and biophysical properties (such as structural, functional, and spatial information, amino acid conservation, physicochemical variation, residue mobility, and thermodynamic stability) performed at Invitae indicates that this missense variant is not expected to disrupt DMD protein function. In summary, the available evidence is currently insufficient to determine the role of this variant in disease. Therefore, it has been classified as a Variant of Uncertain Significance.